The following is an entry in ClinVar:

NM_007126.5(VCP):c.2109C>T (p.Ile703=)

Gene: VCP (valosin containing protein; minus strand). Cytogenetic location: 9p13.3.
Variant type: single nucleotide variant.
Coding change: c.2109C>T on transcript NM_007126.5 (MANE Select); coding-DNA position 2109, C replaced by T.
Protein change: p.Ile703=; no amino-acid change (isoleucine 703 retained).
Molecular consequence: synonymous variant.
Genome position (GRCh38, 1-based): chr9:35,059,115, G>A on the plus strand (C>T on the coding strand, the complement: VCP is on the minus strand). VCF-style: chr9-35059115-G-A. GRCh37 (hg19) VCF-style: chr9-35059112-G-A.
Other names: c.1974C>T, p.Ile658= (NM_001354927.2, NM_001354928.2); c.2109C>T (NM_007126.3).
Identifiers: ClinVar variation 1096276 (VCV001096276.12), dbSNP rs543689812, ClinGen allele CA5039130.

ClinVar aggregate classification (germline): Likely benign. Review status: criteria provided, single submitter (1 of 4 stars). 4 submissions from 4 submitters: Likely benign (1). 3 of the submissions do not count toward it. Last evaluated 2022-06-11.

Conditions:
Inclusion body myopathy with Paget disease of bone and frontotemporal dementia. Also called: Inclusion body myopathy with early-onset Paget disease and frontotemporal dementia. Identifiers: Orphanet 52430, MedGen C1833662, MONDO:0000507.
Frontotemporal dementia and/or amyotrophic lateral sclerosis 6 (FTDALS6). Also called: VCP-Related Amyotrophic Lateral Sclerosis; VCP-Related Amyotrophic Lateral Sclerosis/Frontotemporal Dementia. Identifiers: Orphanet 275872, Orphanet 803, MedGen C5436279, MONDO:0013501, OMIM 613954.
VCP-related disorder. Also called: VCP-related condition; VCP-related disorders.

Allele frequency attached by ClinVar (database versions not stated): gnomAD exomes 0.00001 and 0.00002; ExAC 0.00002; gnomAD 0.00002 and 0.00003; TOPMed 0.00005; 1000 Genomes Project 30x 0.00016; 1000 Genomes Project 0.00020.
gnomAD v4.1: 20 of 1,614,022 alleles (0.0012%); highest among the groups gnomAD compares: African/African-American, 0.0053%; no homozygotes.

Submissions (4):

Labcorp Genetics (formerly Invitae), Labcorp
Classification: Likely benign for Inclusion body myopathy with Paget disease of bone and frontotemporal dementia; Frontotemporal dementia and/or amyotrophic lateral sclerosis 6. Last evaluated: 2022-06-11. Review status: criteria provided, single submitter. Criteria: Invitae Variant Classification Sherloc (09022015). Collection method: clinical testing. Allele origin: germline.

PreventionGenetics, part of Exact Sciences
Classification: Likely benign for VCP-related condition. Last evaluated: 2023-10-12. Review status: no assertion criteria provided. Collection method: clinical testing. Allele origin: germline. Not counted in ClinVar's aggregate classification.
Comment: This variant is classified as likely benign based on ACMG/AMP sequence variant interpretation guidelines (Richards et al. 2015 PMID: 25741868, with internal and published modifications).

Clinical Genetics DNA and cytogenetics Diagnostics Lab, Erasmus MC, Erasmus Medical Center
Classification: Likely benign. Review status: no assertion criteria provided. Collection method: clinical testing. Allele origin: germline. Affected: yes. Study: VKGL Data-share Consensus. Not counted in ClinVar's aggregate classification.

Genome Diagnostics Laboratory, Amsterdam University Medical Center
Classification: Likely benign. Review status: no assertion criteria provided. Collection method: clinical testing. Allele origin: germline. Affected: yes. Study: VKGL Data-share Consensus. Not counted in ClinVar's aggregate classification.